The following is an entry in ClinVar:

ClinVar aggregate classification (germline): Uncertain significance. Review status: criteria provided, multiple submitters, no conflicts (2 of 4 stars). 3 submissions from 3 submitters: Uncertain significance (3). Last evaluated 2023-04-19.

Conditions:
Primary ciliary dyskinesia. Also called: Ciliary dyskinesia. Identifiers: Orphanet 244, MedGen C0008780, MONDO:0016575, HP:0012265.
DNAH8-related disorder. Also called: DNAH8-related condition.

Allele frequency attached by ClinVar (database versions not stated): gnomAD 0.00001; gnomAD exomes 0.00001 and 0.00002; TOPMed 0.00001; ExAC 0.00002.
gnomAD v4.1: 13 of 1,612,756 alleles (0.00081%); highest among the groups gnomAD compares: Admixed American, 0.0017%; no homozygotes.

Submissions (3):

PreventionGenetics, part of Exact Sciences
Classification: Uncertain significance for DNAH8-related condition. Last evaluated: 2023-04-19. Review status: criteria provided, single submitter. Criteria: ACMG Guidelines, 2015. Collection method: clinical testing. Allele origin: germline.
Comment: The DNAH8 c.209G>A variant is predicted to result in the amino acid substitution p.Gly70Glu. To our knowledge, this variant has not been reported in the literature. This variant is reported in 0.0029% of alleles in individuals of Latino descent in gnomAD. At this time, the clinical significance of this variant is uncertain due to the absence of conclusive functional and genetic evidence.

Ambry Genetics
Classification: Uncertain significance. Last evaluated: 2022-11-18. Review status: criteria provided, single submitter. Criteria: Ambry Variant Classification Scheme 2023. Collection method: clinical testing. Allele origin: germline.

Labcorp Genetics (formerly Invitae), Labcorp
Classification: Uncertain significance for Primary ciliary dyskinesia. Last evaluated: 2018-10-18. Review status: criteria provided, single submitter. Criteria: Invitae Variant Classification Sherloc (09022015). Collection method: clinical testing. Allele origin: germline.
Comment: In summary, the available evidence is currently insufficient to determine the role of this variant in disease. Therefore, it has been classified as a Variant of Uncertain Significance. Algorithms developed to predict the effect of missense changes on protein structure and function output the following: SIFT: "Tolerated"; PolyPhen-2: "Not available"; Align-GVGD: "Class C0". The glutamic acid amino acid residue is found in multiple mammalian species, suggesting that this missense change does not adversely affect protein function. These predictions have not been confirmed by published functional studies and their clinical significance is uncertain. This variant has not been reported in the literature in individuals with DNAH8-related disease. This variant is present in population databases (rs770020515, ExAC 0.003%). This sequence change replaces glycine with glutamic acid at codon 70 of the DNAH8 protein (p.Gly70Glu). The glycine residue is weakly conserved and there is a moderate physicochemical difference between glycine and glutamic acid.

NM_001206927.2(DNAH8):c.209G>A (p.Gly70Glu)

Genes: DNAH8 (dynein axonemal heavy chain 8; plus strand), LOC126859667 (BRD4-independent group 4 enhancer GRCh37_chr6:38690326-38691525; plus strand). Cytogenetic location: 6p21.2.
Variant type: single nucleotide variant.
Coding change: c.209G>A on transcript NM_001206927.2 (MANE Select); coding-DNA position 209, G replaced by A.
Protein change: p.Gly70Glu; replaces glycine 70 with glutamic acid.
Molecular consequence: missense variant. On other transcripts: 5 prime UTR variant (1).
Genome position (GRCh38, 1-based): chr6:38,723,018, G>A. VCF-style: chr6-38723018-G-A. GRCh37 (hg19) VCF-style: chr6-38690794-G-A.
Other names: c.-358G>A (NM_001371.4); short protein forms G70E.
Identifiers: ClinVar variation 651668 (VCV000651668.9), dbSNP rs770020515, ClinGen allele CA3787883.